The following is an entry in ClinVar:

NM_025114.4(CEP290):c.1069A>G (p.Ile357Val)

Gene: CEP290 (centrosomal protein 290; minus strand). Cytogenetic location: 12q21.32.
Variant type: single nucleotide variant.
Coding change: c.1069A>G on transcript NM_025114.4 (MANE Select); coding-DNA position 1069, A replaced by G.
Protein change: p.Ile357Val; replaces isoleucine 357 with valine.
Molecular consequence: missense variant.
Genome position (GRCh38, 1-based): chr12:88,125,366, T>C on the plus strand (A>G on the coding strand, the complement: CEP290 is on the minus strand). VCF-style: chr12-88125366-T-C. GRCh37 (hg19) VCF-style: chr12-88519143-T-C.
Other names: short protein forms I357V.
Identifiers: ClinVar variation 2927727 (VCV002927727.3), dbSNP rs2138003595, ClinGen allele CA385981571.
Genomic context (GRCh38, chr12:88,125,366, plus strand): 5'-CTTTTGTATATTGTTCTACTTGTTCGGTGAGCATCTTAATTTGACTGTCTCGTTCCTGTA[T>C]ACCCTATAAAATATTTTAAAACAATATATATCCCTTCATGAATATTAACCTAAAAAGGTA-3'
Protein context (NP_079390.3, residues 347-367): KSNVMALQQG[Ile357Val]QERDSQIKML

ClinVar aggregate classification (germline): Uncertain significance (1 of 4 stars; one submission).

Conditions:
Joubert syndrome. Also called: CEREBELLOPARENCHYMAL DISORDER IV; JOUBERT-BOLTSHAUSER SYNDROME; Familial aplasia of the vermis. Identifiers: Orphanet 475, MedGen C5979921, MONDO:0018772.
Nephronophthisis. Also called: Juvenile Nephronophthisis. Identifiers: Orphanet 655, MedGen C0687120, MONDO:0019005, HP:0000090.
Meckel-Gruber syndrome. Also called: DYSENCEPHALIA SPLANCHNOCYSTICA; GRUBER SYNDROME; Dysencephalia splachnocystica. Identifiers: Orphanet 564, MedGen C0265215, MONDO:0018921.

Submission:

Labcorp Genetics (formerly Invitae), Labcorp
Classification: Uncertain significance for Joubert syndrome; Meckel-Gruber syndrome; Nephronophthisis. Last evaluated: 2024-01-01. Review status: criteria provided, single submitter. Criteria: Invitae Variant Classification Sherloc (09022015). Collection method: clinical testing. Allele origin: germline.
Comment: This sequence change replaces isoleucine, which is neutral and non-polar, with valine, which is neutral and non-polar, at codon 357 of the CEP290 protein (p.Ile357Val). This variant is not present in population databases (gnomAD no frequency). This variant has not been reported in the literature in individuals affected with CEP290-related conditions. Advanced modeling of protein sequence and biophysical properties (such as structural, functional, and spatial information, amino acid conservation, physicochemical variation, residue mobility, and thermodynamic stability) performed at Invitae indicates that this missense variant is not expected to disrupt CEP290 protein function with a negative predictive value of 80%. In summary, the available evidence is currently insufficient to determine the role of this variant in disease. Therefore, it has been classified as a Variant of Uncertain Significance.